The following is an entry in ClinVar:

NM_001510.4(GRID2):c.2106C>T (p.Asp702=)

Gene: GRID2 (glutamate ionotropic receptor delta type subunit 2; plus strand). Cytogenetic location: 4q22.2.
Variant type: single nucleotide variant.
Coding change: c.2106C>T on transcript NM_001510.4 (MANE Select); coding-DNA position 2106, C replaced by T.
Protein change: p.Asp702=; no amino-acid change (aspartic acid 702 retained).
Molecular consequence: synonymous variant.
Genome position (GRCh38, 1-based): chr4:93,515,324, C>T. VCF-style: chr4-93515324-C-T. GRCh37 (hg19) VCF-style: chr4-94436475-C-T.
Other names: c.1821C>T, p.Asp607= (NM_001286838.1).
Identifiers: ClinVar variation 726952 (VCV000726952.9), dbSNP rs181918786, ClinGen allele CA3012453.

ClinVar aggregate classification (germline): Benign/Likely benign. Review status: criteria provided, multiple submitters, no conflicts (2 of 4 stars). 3 submissions from 3 submitters: Benign (2); Likely benign (1). Last evaluated 2026-08-01.

Allele frequency attached by ClinVar (database versions not stated): 1000 Genomes Project 0.00280; gnomAD 0.00028 and 0.00038; TOPMed 0.00029; ExAC 0.00083; gnomAD exomes 0.00094; 1000 Genomes Project 30x 0.00234.
gnomAD v4.1: 343 of 1,611,268 alleles (0.021%); highest among the groups gnomAD compares: East Asian, 0.71%; 2 homozygotes.

Submissions (3):

CeGaT Center for Human Genetics Tuebingen
Classification: Likely benign. Last evaluated: 2026-08-01. Review status: criteria provided, single submitter. Criteria: CeGaT Center For Human Genetics Tuebingen Variant Classification Criteria Version 2. Collection method: clinical testing. Allele origin: germline. Affected: yes. Observed: 1 variant allele.
Comment: GRID2: BP4, BP7

Labcorp Genetics (formerly Invitae), Labcorp
Classification: Benign. Last evaluated: 2025-08-23. Review status: criteria provided, single submitter. Criteria: Invitae Variant Classification Sherloc (09022015). Collection method: clinical testing. Allele origin: germline.

Breakthrough Genomics
Classification: Benign. Review status: criteria provided, single submitter. Criteria: ACMG Guidelines, 2015. Collection method: not provided. Allele origin: germline. Inheritance: Autosomal recessive inheritance. Affected: yes.